The following is an entry in ClinVar:

ClinVar aggregate classification (germline): Likely benign (1 of 4 stars; one submission).

Allele frequency attached by ClinVar (database versions not stated): 1000 Genomes Project 30x 0.00297; 1000 Genomes Project 0.00339; TOPMed 0.00502; ESP Exome Variant Server 0.00615; gnomAD 0.00782.
gnomAD v4.1: 13,437 of 1,612,316 alleles (0.83%); highest among the groups gnomAD compares: Middle Eastern, 2.1%; 107 homozygotes.

Submission:

CeGaT Center for Human Genetics Tuebingen
Classification: Likely benign. Last evaluated: 2023-04-01. Review status: criteria provided, single submitter. Criteria: CeGaT Center For Human Genetics Tuebingen Variant Classification Criteria Version 2. Collection method: clinical testing. Allele origin: germline. Affected: yes. Observed: 1 variant allele.
Comment: ARMH4: BP4, BS2

NM_001001872.4(ARMH4):c.1624C>G (p.Gln542Glu)

Gene: ARMH4 (armadillo like helical domain containing 4; minus strand). Cytogenetic location: 14q23.1.
Variant type: single nucleotide variant.
Coding change: c.1624C>G on transcript NM_001001872.4 (MANE Select); coding-DNA position 1624, C replaced by G.
Protein change: p.Gln542Glu; replaces glutamine 542 with glutamic acid.
Molecular consequence: missense variant.
Genome position (GRCh38, 1-based): chr14:58,131,719, G>C on the plus strand (C>G on the coding strand, the complement: ARMH4 is on the minus strand). VCF-style: chr14-58131719-G-C. GRCh37 (hg19) VCF-style: chr14-58598437-G-C.
Other names: c.1624C>G, p.Gln542Glu (NM_001320173.3); short protein forms Q542E.
Identifiers: ClinVar variation 2644257 (VCV002644257.24), dbSNP rs45570237, ClinGen allele CA7202774.